The following is an entry in ClinVar:

ClinVar aggregate classification (germline): Uncertain significance (1 of 4 stars; one submission).

Submission:

GeneDx
Classification: Uncertain significance. Last evaluated: 2025-08-12. Review status: criteria provided, single submitter. Criteria: GeneDx Variant Classification Process June 2021. Collection method: clinical testing. Allele origin: germline. Affected: yes.
Comment: Not observed at significant frequency in large population cohorts (gnomAD); In silico analysis suggests that this missense variant does not alter protein structure/function; Has not been previously published as pathogenic or benign to our knowledge

NM_013450.4(BAZ2B):c.4858C>T (p.Leu1620Phe)

Genes: BAZ2B (bromodomain adjacent to zinc finger domain 2B; minus strand), LOC126806390 (CDK7 strongly-dependent group 2 enhancer GRCh37_chr2:160205700-160206899; plus strand). Cytogenetic location: 2q24.2.
Variant type: single nucleotide variant.
Coding change: c.4858C>T on transcript NM_013450.4 (MANE Select); coding-DNA position 4858, C replaced by T.
Protein change: p.Leu1620Phe; replaces leucine 1620 with phenylalanine.
Molecular consequence: missense variant.
Genome position (GRCh38, 1-based): chr2:159,349,713, G>A on the plus strand (C>T on the coding strand, the complement: BAZ2B is on the minus strand). VCF-style: chr2-159349713-G-A. GRCh37 (hg19) VCF-style: chr2-160206224-G-A.
Other names: c.4750C>T, p.Leu1584Phe (NM_001289975.1); c.4696C>T, p.Leu1566Phe (NM_001329857.2); c.4783C>T, p.Leu1595Phe (NM_001329858.2); short protein forms L1620F, L1584F, L1595F, L1566F.
Identifiers: ClinVar variation 4795659 (VCV004795659.1).